The following is an entry in ClinVar:

ClinVar aggregate classification (germline): Uncertain significance. Review status: criteria provided, multiple submitters, no conflicts (2 of 4 stars). 2 submissions from 2 submitters: Uncertain significance (2). Last evaluated 2025-03-11.

Conditions:
Bethlem myopathy 1A. Also called: MYOPATHY, BENIGN CONGENITAL, WITH CONTRACTURES; Bethlem myopathy 1; Bethlem Muscular Dystrophy. Identifiers: Orphanet 610, MedGen CN029274, MONDO:0024530, OMIM 158810.

Allele frequency attached by ClinVar (database versions not stated): gnomAD exomes below 0.00001; TOPMed 0.00002.
gnomAD v4.1: 4 of 1,614,068 alleles (0.00025%); highest among the groups gnomAD compares: African/African-American, 0.0053%; no homozygotes.

Submissions (2):

Labcorp Genetics (formerly Invitae), Labcorp
Classification: Uncertain significance for Bethlem myopathy 1A. Last evaluated: 2025-03-11. Review status: criteria provided, single submitter. Criteria: Invitae Variant Classification Sherloc (09022015). Collection method: clinical testing. Allele origin: germline.
Comment: This sequence change replaces asparagine, which is neutral and polar, with lysine, which is basic and polar, at codon 2732 of the COL6A3 protein (p.Asn2732Lys). This variant is present in population databases (no rsID available, gnomAD 0.01%). This variant has not been reported in the literature in individuals affected with COL6A3-related conditions. ClinVar contains an entry for this variant (Variation ID: 2440436). Invitae Evidence Modeling of protein sequence and biophysical properties (such as structural, functional, and spatial information, amino acid conservation, physicochemical variation, residue mobility, and thermodynamic stability) indicates that this missense variant is expected to disrupt COL6A3 protein function with a positive predictive value of 80%. In summary, the available evidence is currently insufficient to determine the role of this variant in disease. Therefore, it has been classified as a Variant of Uncertain Significance.

Revvity Omics, Revvity
Classification: Uncertain significance. Last evaluated: 2019-02-05. Review status: criteria provided, single submitter. Criteria: ACMG Guidelines, 2015. Collection method: clinical testing. Allele origin: germline.

NM_004369.4(COL6A3):c.8196C>G (p.Asn2732Lys)

Gene: COL6A3 (collagen type VI alpha 3 chain; minus strand). Cytogenetic location: 2q37.3.
Variant type: single nucleotide variant.
Coding change: c.8196C>G on transcript NM_004369.4 (MANE Select); coding-DNA position 8196, C replaced by G.
Protein change: p.Asn2732Lys; replaces asparagine 2732 with lysine.
Molecular consequence: missense variant.
Genome position (GRCh38, 1-based): chr2:237,340,720, G>C on the plus strand (C>G on the coding strand, the complement: COL6A3 is on the minus strand). VCF-style: chr2-237340720-G-C. GRCh37 (hg19) VCF-style: chr2-238249363-G-C.
Other names: c.6375C>G, p.Asn2125Lys (NM_057166.5); c.7578C>G, p.Asn2526Lys (NM_057167.4); short protein forms N2125K, N2526K, N2732K.
Identifiers: ClinVar variation 2440436 (VCV002440436.6), dbSNP rs1354287830, ClinGen allele CA351196138.
Genomic context (GRCh38, chr2:237,340,720, plus strand): 5'-CAGCTGCTGCTCCGGCACCTCGCCCGTCAGCATCAGGACCACAATTTTCAGGTCCCGTGG[G>C]TTTGGGGCACTTTCAAAGACATTCTCTATGGTGTATTCAATGGCACTGCCTAAGGCCCTG-3'
Protein context (NP_004360.2, residues 2722-2742): TIENVFESAP[Asn2732Lys]PRDLKIVVLM